The following is an entry in ClinVar:

NM_001366686.3(SIK3):c.2985A>G (p.Leu995=)

Gene: SIK3 (SIK family kinase 3; minus strand). Cytogenetic location: 11q23.3.
Variant type: single nucleotide variant.
Coding change: c.2985A>G on transcript NM_001366686.3 (MANE Select); coding-DNA position 2985, A replaced by G.
Protein change: p.Leu995=; no amino-acid change (leucine 995 retained).
Molecular consequence: synonymous variant.
Genome position (GRCh38, 1-based): chr11:116,858,480, T>C on the plus strand (A>G on the coding strand, the complement: SIK3 is on the minus strand). VCF-style: chr11-116858480-T-C. GRCh37 (hg19) VCF-style: chr11-116729196-T-C.
Other names: c.2184A>G, p.Leu728= (NM_001281748.3); c.2661A>G, p.Leu887= (NM_001281749.3); c.2841A>G, p.Leu947= (NM_025164.6).
Identifiers: ClinVar variation 3060059 (VCV003060059.2), dbSNP rs541586, ClinGen allele CA6290270.

ClinVar aggregate classification (germline): Benign (0 of 4 stars; one submission).

Conditions:
SIK3-related disorder. Also called: SIK3-related condition.

Allele frequency attached by ClinVar (database versions not stated): gnomAD exomes 0.03292; ExAC 0.06722; gnomAD 0.15491; ESP Exome Variant Server 0.17131; TOPMed 0.17403; 1000 Genomes Project 0.18131; 1000 Genomes Project 30x 0.18723.
gnomAD v4.1: 72,648 of 1,606,946 alleles (4.5%); highest among the groups gnomAD compares: African/African-American, 48%; 9,762 homozygotes.

Submission:

PreventionGenetics, part of Exact Sciences
Classification: Benign for SIK3-related condition. Last evaluated: 2019-10-21. Review status: no assertion criteria provided. Collection method: clinical testing. Allele origin: germline.
Comment: This variant is classified as benign based on ACMG/AMP sequence variant interpretation guidelines (Richards et al. 2015 PMID: 25741868, with internal and published modifications).